The following is an entry in ClinVar:

NM_014334.4(FRRS1L):c.344A>G (p.Asn115Ser)

Gene: FRRS1L (ferric chelate reductase 1 like; minus strand). Cytogenetic location: 9q31.3.
Variant type: single nucleotide variant.
Coding change: c.344A>G on transcript NM_014334.4 (MANE Select); coding-DNA position 344, A replaced by G.
Protein change: p.Asn115Ser; replaces asparagine 115 with serine.
Molecular consequence: missense variant.
Genome position (GRCh38, 1-based): chr9:109,147,169, T>C on the plus strand (A>G on the coding strand, the complement: FRRS1L is on the minus strand). VCF-style: chr9-109147169-T-C. GRCh37 (hg19) VCF-style: chr9-111909449-T-C.
Other names: short protein forms N115S.
Identifiers: ClinVar variation 542865 (VCV000542865.11), dbSNP rs1001609848, ClinGen allele CA197568017.

ClinVar aggregate classification (germline): Uncertain significance (1 of 4 stars; one submission).

Conditions:
Developmental and epileptic encephalopathy, 37 (DEE37). Also called: Epileptic encephalopathy, early infantile, 37. Identifiers: MedGen C4310770, MONDO:0014859, OMIM 616981.

Allele frequency attached by ClinVar (database versions not stated): TOPMed below 0.00001; gnomAD 0.00001.
gnomAD v4.1: 1 of 1,613,564 alleles (0.000062%); highest among the groups gnomAD compares: Non-Finnish European, 0.000085%; no homozygotes.

Submission:

Labcorp Genetics (formerly Invitae), Labcorp
Classification: Uncertain significance for Developmental and epileptic encephalopathy, 37. Last evaluated: 2022-10-13. Review status: criteria provided, single submitter. Criteria: Invitae Variant Classification Sherloc (09022015). Collection method: clinical testing. Allele origin: germline.
Comment: In summary, the available evidence is currently insufficient to determine the role of this variant in disease. Therefore, it has been classified as a Variant of Uncertain Significance. Algorithms developed to predict the effect of missense changes on protein structure and function are either unavailable or do not agree on the potential impact of this missense change (SIFT: "Deleterious"; PolyPhen-2: "Benign"; Align-GVGD: "Class C0"). ClinVar contains an entry for this variant (Variation ID: 542865). This variant has not been reported in the literature in individuals affected with FRRS1L-related conditions. This variant is not present in population databases (gnomAD no frequency). This sequence change replaces asparagine, which is neutral and polar, with serine, which is neutral and polar, at codon 166 of the FRRS1L protein (p.Asn166Ser).